The following is an entry in ClinVar:

NM_152383.5(DIS3L2):c.83T>C (p.Ile28Thr)

Gene: DIS3L2 (DIS3 like 3'-5' exoribonuclease 2; plus strand). Cytogenetic location: 2q37.1.
Variant type: single nucleotide variant.
Coding change: c.83T>C on transcript NM_152383.5 (MANE Select); coding-DNA position 83, T replaced by C.
Protein change: p.Ile28Thr; replaces isoleucine 28 with threonine.
Molecular consequence: missense variant. On other transcripts: non-coding transcript variant (2).
Genome position (GRCh38, 1-based): chr2:232,015,544, T>C. VCF-style: chr2-232015544-T-C. GRCh37 (hg19) VCF-style: chr2-232880254-T-C.
Other names: c.83T>C, p.Ile28Thr (NM_001257281.2, NM_001257282.2); short protein forms I28T.
Identifiers: ClinVar variation 954866 (VCV000954866.9), dbSNP rs755318575, ClinGen allele CA2163715.

ClinVar aggregate classification (germline): Uncertain significance (1 of 4 stars; one submission).

Conditions:
Perlman syndrome (PRLMNS). Identifiers: Orphanet 2849, MedGen C0796113, MONDO:0009965, OMIM 267000.

Allele frequency attached by ClinVar (database versions not stated): gnomAD exomes below 0.00001; ExAC 0.00001; gnomAD 0.00001; TOPMed 0.00001.
gnomAD v4.1: 6 of 1,614,044 alleles (0.00037%); highest among the groups gnomAD compares: Non-Finnish European, 0.00042%; no homozygotes.

Submission:

Labcorp Genetics (formerly Invitae), Labcorp
Classification: Uncertain significance for Perlman syndrome. Last evaluated: 2024-08-26. Review status: criteria provided, single submitter. Criteria: Invitae Variant Classification Sherloc (09022015). Collection method: clinical testing. Allele origin: germline.
Comment: This sequence change replaces isoleucine, which is neutral and non-polar, with threonine, which is neutral and polar, at codon 28 of the DIS3L2 protein (p.Ile28Thr). This variant is present in population databases (rs755318575, gnomAD 0.002%). This variant has not been reported in the literature in individuals affected with DIS3L2-related conditions. ClinVar contains an entry for this variant (Variation ID: 954866). An algorithm developed to predict the effect of missense changes on protein structure and function (PolyPhen-2) suggests that this variant is likely to be tolerated. In summary, the available evidence is currently insufficient to determine the role of this variant in disease. Therefore, it has been classified as a Variant of Uncertain Significance.